The following is an entry in ClinVar:

NM_006531.5(IFT88):c.874A>G (p.Ile292Val)

Gene: IFT88 (intraflagellar transport 88; plus strand). Cytogenetic location: 13q12.11.
Variant type: single nucleotide variant.
Coding change: c.874A>G on transcript NM_006531.5 (MANE Select); coding-DNA position 874, A replaced by G.
Protein change: p.Ile292Val; replaces isoleucine 292 with valine.
Molecular consequence: missense variant. On other transcripts: non-coding transcript variant (5), intron variant (7).
Genome position (GRCh38, 1-based): chr13:20,601,766, A>G. VCF-style: chr13-20601766-A-G. GRCh37 (hg19) VCF-style: chr13-21175905-A-G.
Other names: c.901A>G (NM_175605.4); c.817A>G, p.Ile273Val (NM_001318491.2, NM_001353573.2, NM_001353575.2); c.901A>G, p.Ile301Val (NM_001318493.2, NM_001353565.2, NM_001353566.2 and 2 more transcripts); c.874A>G, p.Ile292Val (NM_001353568.2, NM_001353572.2); c.241A>G, p.Ile81Val (NM_001353579.2); c.883+18A>G (NM_001353570.2, NM_001353576.2, NM_001353577.2 and 1 more transcripts); c.856+18A>G (NM_001353571.2, NM_001353578.2); c.799+18A>G (NM_001353574.2); short protein forms I81V, I292V, I301V, I273V.
Identifiers: ClinVar variation 2081486 (VCV002081486.5), dbSNP rs549484080, ClinGen allele CA6905207.

ClinVar aggregate classification (germline): Conflicting classifications of pathogenicity. Review status: criteria provided, conflicting classifications (1 of 4 stars). 2 submissions from 2 submitters: Uncertain significance (1); Likely benign (1). Last evaluated 2026-08-23.

Conditions:
IFT88-related disorder. Also called: IFT88-related condition.

Allele frequency attached by ClinVar (database versions not stated): 1000 Genomes Project 30x 0.00031; 1000 Genomes Project 0.00040; gnomAD exomes 0.00003; TOPMed 0.00008; gnomAD 0.00009; ExAC 0.00013.
gnomAD v4.1: 56 of 1,613,178 alleles (0.0035%); highest among the groups gnomAD compares: East Asian, 0.1%; no homozygotes.

Submissions (2):

PreventionGenetics, part of Exact Sciences
Classification: Likely benign for IFT88-related condition. Last evaluated: 2026-08-23. Review status: criteria provided, single submitter. Criteria: ACMG Guidelines, 2015. Collection method: clinical testing. Allele origin: germline.
Comment: This variant is classified as likely benign based on ACMG/AMP sequence variant interpretation guidelines (Richards et al. 2015 PMID: 25741868, with internal and published modifications).

Labcorp Genetics (formerly Invitae), Labcorp
Classification: Uncertain significance. Last evaluated: 2025-10-15. Review status: criteria provided, single submitter. Criteria: Invitae Variant Classification Sherloc (09022015). Collection method: clinical testing. Allele origin: germline.
Comment: This sequence change replaces isoleucine, which is neutral and non-polar, with valine, which is neutral and non-polar, at codon 301 of the IFT88 protein (p.Ile301Val). This variant is present in population databases (rs549484080, gnomAD 0.2%), and has an allele count higher than expected for a pathogenic variant. This variant has not been reported in the literature in individuals affected with IFT88-related conditions. ClinVar contains an entry for this variant (Variation ID: 2081486). An algorithm developed to predict the effect of missense changes on protein structure and function outputs the following: PolyPhen-2: "Not Available". The valine amino acid residue is found in multiple mammalian species, which suggests that this missense change does not adversely affect protein function. In summary, the available evidence is currently insufficient to determine the role of this variant in disease. Therefore, it has been classified as a Variant of Uncertain Significance.